The following is an entry in ClinVar:

NM_177438.3(DICER1):c.3859T>G (p.Ser1287Ala)

Gene: DICER1 (dicer 1, ribonuclease III; minus strand). Cytogenetic location: 14q32.13.
Variant type: single nucleotide variant.
Coding change: c.3859T>G on transcript NM_177438.3 (MANE Select); coding-DNA position 3859, T replaced by G.
Protein change: p.Ser1287Ala; replaces serine 1287 with alanine.
Molecular consequence: missense variant.
Genome position (GRCh38, 1-based): chr14:95,103,537, A>C on the plus strand (T>G on the coding strand, the complement: DICER1 is on the minus strand). VCF-style: chr14-95103537-A-C. GRCh37 (hg19) VCF-style: chr14-95569874-A-C.
Other names: c.3859T>G, p.Ser1287Ala (NM_001195573.1, NM_001271282.3, NM_001291628.2 and 1 more transcripts); short protein forms S1287A.
Identifiers: ClinVar variation 967792 (VCV000967792.13), dbSNP rs373980178, ClinGen allele CA265905871.

ClinVar aggregate classification (germline): Uncertain significance. Review status: criteria provided, multiple submitters, no conflicts (2 of 4 stars). 2 submissions from 2 submitters: Uncertain significance (2). Last evaluated 2021-07-21.

Conditions:
DICER1-related tumor predisposition. Also called: DICER1-related pleuropulmonary blastoma cancer predisposition syndrome; DICER1 syndrome. Identifiers: Orphanet 284343, MedGen C3839822, MONDO:0100216.
Hereditary cancer-predisposing syndrome. Also called: Hereditary neoplastic syndrome; Hereditary Cancer Syndrome; Tumor predisposition; Neoplastic Syndromes, Hereditary. Identifiers: Orphanet 140162, MedGen C0027672, MeSH D009386, MONDO:0015356.

Allele frequency attached by ClinVar (database versions not stated): TOPMed 0.00001; ESP Exome Variant Server 0.00008.

Submissions (2):

Ambry Genetics
Classification: Uncertain significance for Hereditary cancer-predisposing syndrome. Last evaluated: 2021-07-21. Review status: criteria provided, single submitter. Criteria: Ambry Variant Classification Scheme 2023. Collection method: clinical testing. Allele origin: germline.
Comment: The p.S1287A variant (also known as c.3859T>G), located in coding exon 20 of the DICER1 gene, results from a T to G substitution at nucleotide position 3859. The serine at codon 1287 is replaced by alanine, an amino acid with similar properties. This amino acid position is not well conserved in available vertebrate species. In addition, this alteration is predicted to be tolerated by in silico analysis. Since supporting evidence is limited at this time, the clinical significance of this alteration remains unclear.

Labcorp Genetics (formerly Invitae), Labcorp
Classification: Uncertain significance for DICER1-related tumor predisposition. Last evaluated: 2020-02-05. Review status: criteria provided, single submitter. Criteria: Invitae Variant Classification Sherloc (09022015). Collection method: clinical testing. Allele origin: germline.
Comment: This variant is not present in population databases (ExAC no frequency). This sequence change replaces serine with alanine at codon 1287 of the DICER1 protein (p.Ser1287Ala). The serine residue is moderately conserved and there is a moderate physicochemical difference between serine and alanine. This variant has not been reported in the literature in individuals with DICER1-related conditions. In summary, the available evidence is currently insufficient to determine the role of this variant in disease. Therefore, it has been classified as a Variant of Uncertain Significance. Algorithms developed to predict the effect of missense changes on protein structure and function (SIFT, PolyPhen-2, Align-GVGD) all suggest that this variant is likely to be tolerated, but these predictions have not been confirmed by published functional studies and their clinical significance is uncertain.